The following is an entry in ClinVar:

NM_001130823.3(DNMT1):c.3214G>A (p.Val1072Met)

Gene: DNMT1 (DNA methyltransferase 1; minus strand). Cytogenetic location: 19p13.2.
Variant type: single nucleotide variant.
Coding change: c.3214G>A on transcript NM_001130823.3 (MANE Select); coding-DNA position 3214, G replaced by A.
Protein change: p.Val1072Met; replaces valine 1072 with methionine.
Molecular consequence: missense variant.
Genome position (GRCh38, 1-based): chr19:10,142,123, C>T on the plus strand (G>A on the coding strand, the complement: DNMT1 is on the minus strand). VCF-style: chr19-10142123-C-T. GRCh37 (hg19) VCF-style: chr19-10252799-C-T.
Other names: c.3166G>A, p.Val1056Met (NM_001318730.2, NM_001379.4); c.2851G>A, p.Val951Met (NM_001318731.2); short protein forms V1056M, V1072M, V951M.
Identifiers: ClinVar variation 3699283 (VCV003699283.2).
Genomic context (GRCh38, chr19:10,142,123, plus strand): 5'-AGTACACCTGGACGCACTCGGGCAGGTCCTCCCCATACTCCACGGTGCAGCGGCCCTGCA[C>T]AGCCTTGAAGTCCACCACGGCCTCCTCGTCGCTCCAGTAGAGCAGGTTGATGTCTGCGTG-3'
Protein context (NP_001124295.1, residues 1062-1082): DEEAVVDFKA[Val1072Met]QGRCTVEYGE

ClinVar aggregate classification (germline): Uncertain significance (1 of 4 stars; one submission).

Conditions:
Hereditary sensory neuropathy-deafness-dementia syndrome. Also called: Hereditary Sensory and Autonomic Neuropathy Type 1E (HSAN1E); NEUROPATHY, HEREDITARY SENSORY, WITH HEARING LOSS AND DEMENTIA; Hereditary sensory neuropathy type IE; HSN IE. Identifiers: Orphanet 456318, MedGen C3279885, MONDO:0013584, OMIM 614116.

gnomAD v4.1: 1 of 1,614,030 alleles (0.000062%); highest among the groups gnomAD compares: Non-Finnish European, 0.000085%; no homozygotes.

Submission:

Labcorp Genetics (formerly Invitae), Labcorp
Classification: Uncertain significance for Hereditary sensory neuropathy-deafness-dementia syndrome. Last evaluated: 2024-09-06. Review status: criteria provided, single submitter. Criteria: Invitae Variant Classification Sherloc (09022015). Collection method: clinical testing. Allele origin: germline.
Comment: This sequence change replaces valine, which is neutral and non-polar, with methionine, which is neutral and non-polar, at codon 1072 of the DNMT1 protein (p.Val1072Met). This variant is not present in population databases (gnomAD no frequency). This variant has not been reported in the literature in individuals affected with DNMT1-related conditions. Invitae Evidence Modeling of protein sequence and biophysical properties (such as structural, functional, and spatial information, amino acid conservation, physicochemical variation, residue mobility, and thermodynamic stability) indicates that this missense variant is expected to disrupt DNMT1 protein function with a positive predictive value of 80%. In summary, the available evidence is currently insufficient to determine the role of this variant in disease. Therefore, it has been classified as a Variant of Uncertain Significance.